The following is an entry in ClinVar:

NM_001098671.2(RASGRP2):c.1159C>G (p.Arg387Gly)

Gene: RASGRP2 (RAS guanyl releasing protein 2; minus strand). Cytogenetic location: 11q13.1.
Variant type: single nucleotide variant.
Coding change: c.1159C>G on transcript NM_001098671.2 (MANE Select); coding-DNA position 1159, C replaced by G.
Protein change: p.Arg387Gly; replaces arginine 387 with glycine.
Molecular consequence: missense variant.
Genome position (GRCh38, 1-based): chr11:64,735,917, G>C on the plus strand (C>G on the coding strand, the complement: RASGRP2 is on the minus strand). VCF-style: chr11-64735917-G-C. GRCh37 (hg19) VCF-style: chr11-64503389-G-C.
Other names: c.1159C>G, p.Arg387Gly (NM_001098670.2, NM_153819.2); c.724C>G, p.Arg242Gly (NM_001318398.2); short protein forms R242G, R387G.
Identifiers: ClinVar variation 2573347 (VCV002573347.2), dbSNP rs746056618, ClinGen allele CA6079006.

ClinVar aggregate classification (germline): Uncertain significance. Review status: criteria provided, multiple submitters, no conflicts (2 of 4 stars). 2 submissions from 2 submitters: Uncertain significance (2). Last evaluated 2026-01-26.

Submissions (2):

Labcorp Genetics (formerly Invitae), Labcorp
Classification: Uncertain significance. Last evaluated: 2026-01-26. Review status: criteria provided, single submitter. Criteria: Invitae Variant Classification Sherloc (09022015). Collection method: clinical testing. Allele origin: germline.
Comment: This sequence change replaces arginine, which is basic and polar, with glycine, which is neutral and non-polar, at codon 387 of the RASGRP2 protein (p.Arg387Gly). This variant is present in population databases (rs746056618, gnomAD 0.005%). This missense change has been observed in individual(s) with clinical features of RASGRP2-related conditions (PMID: 21815871). ClinVar contains an entry for this variant (Variation ID: 2573347). Invitae Evidence Modeling of protein sequence and biophysical properties (such as structural, functional, and spatial information, amino acid conservation, physicochemical variation, residue mobility, and thermodynamic stability) indicates that this missense variant is expected to disrupt RASGRP2 protein function with a positive predictive value of 80%. In summary, the available evidence is currently insufficient to determine the role of this variant in disease. Therefore, it has been classified as a Variant of Uncertain Significance.

Women's Health and Genetics/Laboratory Corporation of America, LabCorp
Classification: Uncertain significance. Last evaluated: 2023-06-27. Review status: criteria provided, single submitter. Criteria: LabCorp Variant Classification Summary - May 2015. Collection method: clinical testing. Allele origin: germline.
Comment: Variant summary: RASGRP2 c.1159C>G (p.Arg387Gly) results in a non-conservative amino acid change located in the Ras guanine-nucleotide exchange factors catalytic domain (IPR001895) of the encoded protein sequence. Five of five in-silico tools predict a damaging effect of the variant on protein function. The variant allele was found at a frequency of 1.2e-05 in 250422 control chromosomes. The available data on variant occurrences in the general population are insufficient to allow any conclusion about variant significance. c.1159C>G has been reported in the literature in heterozygous individuals affected with a suspected bleeding disorder or platelet aggregation abnormality (examples: Puetz_2012, Almanzi_2020). These report(s) do not provide unequivocal conclusions about association of the variant with Autosomal Recessive Platelet-Type Bleeding Disorder 18. To our knowledge, no experimental evidence demonstrating an impact on protein function has been reported. The following publications have been ascertained in the context of this evaluation (PMID: 21815871, 32935436). No submitters have cited clinical-significance assessments for this variant to ClinVar after 2014. Based on the evidence outlined above, the variant was classified as uncertain significance.

Literature cited by the submitters: PubMed 21815871 (cited by Labcorp Genetics (formerly Invitae), Labcorp and Women's Health and Genetics/Laboratory Corporation of America, LabCorp); PubMed 32935436 (cited by Women's Health and Genetics/Laboratory Corporation of America, LabCorp).